The following is an entry in ClinVar:

NM_001099287.2(NIPAL4):c.*227T>A

Gene: NIPAL4 (NIPA like domain containing 4; plus strand). Cytogenetic location: 5q33.3.
Variant type: single nucleotide variant.
Coding change: c.*227T>A on transcript NM_001099287.2 (MANE Select); 227 bases downstream of the stop codon, T replaced by A.
Molecular consequence: 3 prime UTR variant.
Genome position (GRCh38, 1-based): chr5:157,473,187, T>A. VCF-style: chr5-157473187-T-A. GRCh37 (hg19) VCF-style: chr5-156900195-T-A.
Other names: c.*227T>A (NM_001172292.2).
Identifiers: ClinVar variation 352527 (VCV000352527.6), dbSNP rs181287300, ClinGen allele CA10621113.
Genomic context (GRCh38, chr5:157,473,187, plus strand): 5'-ATAGCAATGGTGGCAGAACTTCCTGGAAACAGATTCAGTGACCAAATACCCAAGTTTACA[T>A]CAGTGCCTGCAGGTTCCCTGGACCTTCCTTCTCATTCATTCTTTCGGTGCCATCTCTATG-3'

ClinVar aggregate classification (germline): Likely benign. Review status: criteria provided, multiple submitters, no conflicts (2 of 4 stars). 2 submissions from 2 submitters: Likely benign (2). Last evaluated 2018-01-13.

Conditions:
Autosomal recessive congenital ichthyosis 6 (ARCI6). Identifiers: Orphanet 313, Orphanet 79394, MedGen C2677065, MONDO:0012847, OMIM 612281.

Allele frequency attached by ClinVar (database versions not stated): 1000 Genomes Project 30x 0.00453; 1000 Genomes Project 0.00499; gnomAD 0.00529 and 0.00541; TOPMed 0.00572; gnomAD exomes 0.00604.
gnomAD v4.1: 2,693 of 458,774 alleles (0.59%); highest among the groups gnomAD compares: Non-Finnish European, 0.77%; 6 homozygotes.

Submissions (2):

Illumina Laboratory Services, Illumina
Classification: Likely benign for Autosomal recessive congenital ichthyosis 6. Last evaluated: 2018-01-13. Review status: criteria provided, single submitter. Criteria: ICSL Variant Classification Criteria 13 December 2019. Collection method: clinical testing. Allele origin: germline.
Comment: This variant was observed in the ICSL laboratory as part of a predisposition screen in an ostensibly healthy population. It had not been previously curated by ICSL or reported in the Human Gene Mutation Database (HGMD: prior to June 1st, 2018), and was therefore a candidate for classification through an automated scoring system. Utilizing variant allele frequency, disease prevalence and penetrance estimates, and inheritance mode, an automated score was calculated to assess if this variant is too frequent to cause the disease. Based on the score and internal cut-off values, a variant classified as likely benign is not then subjected to further curation. The score for this variant resulted in a classification of likely benign for this disease.

Breakthrough Genomics
Classification: Likely benign. Review status: criteria provided, single submitter. Criteria: ACMG Guidelines, 2015. Collection method: not provided. Allele origin: germline. Inheritance: Autosomal recessive inheritance. Affected: yes.